The following is an entry in ClinVar:

NM_000094.4(COL7A1):c.4783-1G>A

Gene: COL7A1 (collagen type VII alpha 1 chain; minus strand). Cytogenetic location: 3p21.31.
Variant type: single nucleotide variant.
Coding change: c.4783-1G>A on transcript NM_000094.4 (MANE Select); the canonical splice acceptor site of the intron before coding-DNA position 4783, G replaced by A.
Molecular consequence: splice acceptor variant.
Genome position (GRCh38, 1-based): chr3:48,581,484, C>T on the plus strand (G>A on the coding strand, the complement: COL7A1 is on the minus strand). VCF-style: chr3-48581484-C-T. GRCh37 (hg19) VCF-style: chr3-48618917-C-T.
Other names: c.4783-1G>A (NM_000094.3).
Identifiers: ClinVar variation 1073114 (VCV001073114.27), dbSNP rs371908708, ClinGen allele CA2379837.

ClinVar aggregate classification (germline): Pathogenic. Review status: criteria provided, multiple submitters, no conflicts (2 of 4 stars). 3 submissions from 3 submitters: Pathogenic (3). Last evaluated 2025-10-27.

Conditions:
Epidermolysis bullosa dystrophica. Also called: Dystrophic epidermolysis bullosa, Hallopeau-Siemens type (formerly); Dystrophic epidermolysis bullosa. Identifiers: Orphanet 303, MedGen C0079294, MONDO:0006543.
Recessive dystrophic epidermolysis bullosa (RDEB). Also called: severe generalized recessive dystrophic epidermolysis bullosa; EPIDERMOLYSIS BULLOSA DYSTROPHICA, GENERALIZED SEVERE, AUTOSOMAL RECESSIVE; DYSTROPHIC EPIDERMOLYSIS BULLOSA, AUTOSOMAL RECESSIVE; EPIDERMOLYSIS BULLOSA DYSTROPHICA, HALLOPEAU-SIEMENS TYPE; Epidermolysis Bullosa Distrophica Autosomal Recessive (RDEB); epidermolysis bullosa dystrophica, autosomal recessive. Identifiers: Orphanet 79408, Orphanet 79409, MedGen C0079474, MONDO:0009179, OMIM 226600.

Allele frequency attached by ClinVar (database versions not stated): ExAC 0.00002; gnomAD 0.00001; ESP Exome Variant Server 0.00008; gnomAD exomes 0.00001; TOPMed 0.00003.
gnomAD v4.1: 5 of 1,613,986 alleles (0.00031%); highest among the groups gnomAD compares: Non-Finnish European, 0.00042%; no homozygotes.

Submissions (3):

Natera, Inc.
Classification: Pathogenic for Dystrophic epidermolysis bullosa. Last evaluated: 2025-10-27. Review status: criteria provided, single submitter. Criteria: Natera Variant Classification Schema (03/2026). Collection method: clinical testing. Allele origin: germline.
Comment: The c.4783-1G>A variant in COL7A1 is a canonical splice acceptor site variant predicted to affect pre-mRNA splicing, which may result in an abnormal transcript and altered protein product. This variant is expected to result in nonsense mediated decay, truncation, or a dysfunctional protein product. This variant is rare in the general population with a frequency below the threshold expected for the associated phenotype(s). This variant has been observed in one or more individuals affected with the associated recessive disease, as either homozygous or compound heterozygous with a second variant (PMID: 12485454, 31557321, 35149000, 33274474). Given the available evidence, this variant is classified as Pathogenic.

Labcorp Genetics (formerly Invitae), Labcorp
Classification: Pathogenic. Last evaluated: 2022-06-24. Review status: criteria provided, single submitter. Criteria: Invitae Variant Classification Sherloc (09022015). Collection method: clinical testing. Allele origin: germline.
Comment: For these reasons, this variant has been classified as Pathogenic. Algorithms developed to predict the effect of sequence changes on RNA splicing suggest that this variant may disrupt the consensus splice site. ClinVar contains an entry for this variant (Variation ID: 1073114). Disruption of this splice site has been observed in individuals with epidermolysis bullosa (PMID: 10504458, 26864810). This variant is present in population databases (rs371908708, gnomAD 0.003%). This sequence change affects an acceptor splice site in intron 49 of the COL7A1 gene. It is expected to disrupt RNA splicing. Variants that disrupt the donor or acceptor splice site typically lead to a loss of protein function (PMID: 16199547), and loss-of-function variants in COL7A1 are known to be pathogenic (PMID: 16971478).

Center for Research in Genodermatoses and Epidermolysis Bullosa, University of Buenos Aires
Classification: Pathogenic for Recessive dystrophic epidermolysis bullosa. Last evaluated: 2022-03-14. Review status: criteria provided, single submitter. Criteria: ACMG Guidelines, 2015. Collection method: clinical testing. Allele origin: germline. Affected: yes. Observed: 1 variant allele, 1 compound heterozygote.

Literature cited by the submitters: PubMed 12485454 (cited by Natera, Inc.); PubMed 31557321 (cited by Natera, Inc.); PubMed 35149000 (cited by Natera, Inc.); PubMed 33274474 (cited by Natera, Inc.); PubMed 10504458 (cited by Labcorp Genetics (formerly Invitae), Labcorp and Center for Research in Genodermatoses and Epidermolysis Bullosa, University of Buenos Aires); PubMed 26864810 (cited by Labcorp Genetics (formerly Invitae), Labcorp); PubMed 16199547 (cited by Labcorp Genetics (formerly Invitae), Labcorp); PubMed 16971478 (cited by Labcorp Genetics (formerly Invitae), Labcorp); PubMed 35979658 (cited by Center for Research in Genodermatoses and Epidermolysis Bullosa, University of Buenos Aires).